The following is an entry in ClinVar:

ClinVar aggregate classification (germline): Likely pathogenic (1 of 4 stars; one submission).

Conditions:
Autosomal recessive polycystic kidney disease (ARPKD). Also called: AR polycystic kidney disease. Identifiers: Orphanet 731, Orphanet 8378, MedGen C0085548, MeSH D017044, MONDO:0009889.

Submission:

Natera, Inc.
Classification: Likely pathogenic for Autosomal recessive polycystic kidney disease. Last evaluated: 2024-10-31. Review status: criteria provided, single submitter. Criteria: Natera Variant Classification Schema (03/2026). Collection method: clinical testing. Allele origin: germline.
Comment: The c.7607_7608del variant in PKHD1 is a frameshift variant predicted to shift the reading frame beginning at codon 2536 and leads to a stop codon 47 codons downstream. This variant is expected to result in nonsense mediated decay, truncation, or a dysfunctional protein product. This variant is rare in the general population with a frequency below the threshold expected for the associated phenotype(s). Given the available evidence, this variant is classified as Likely Pathogenic.

NM_138694.4(PKHD1):c.7607_7608del (p.Arg2536fs)

Gene: PKHD1 (PKHD1 ciliary IPT domain containing fibrocystin/polyductin; minus strand). Cytogenetic location: 6p12.2.
Variant type: Deletion.
Coding change: c.7607_7608del on transcript NM_138694.4 (MANE Select); coding-DNA positions 7607 to 7608, 2 bases deleted (GA; older notation c.7607_7608delGA).
Protein change: p.Arg2536fs; shifts the reading frame from arginine 2536.
Molecular consequence: frameshift variant.
Genome position (GRCh38, 1-based): chr6:51,867,988-51,867,989, TC deleted on the plus strand (GA on the coding strand, the reverse complement: PKHD1 is on the minus strand); deleting any 2 consecutive bases within chr6:51,867,988-51,867,990 gives the same sequence; the c. name uses the placement nearest the transcript's 3' end. VCF-style (leftmost placement, unchanged base first): chr6-51867987-TTC-T. GRCh37 (hg19) VCF-style: chr6-51732785-TTC-T.
Other names: c.7607_7608del, p.Arg2536fs (NM_170724.3); short protein forms R2536fs.
Identifiers: ClinVar variation 4816748 (VCV004816748.1).